The following is an entry in ClinVar:

NM_000053.4(ATP7B):c.1186G>T (p.Glu396Ter)

Gene: ATP7B (ATPase copper transporting beta; minus strand). Cytogenetic location: 13q14.3.
Variant type: single nucleotide variant.
Coding change: c.1186G>T on transcript NM_000053.4 (MANE Select); coding-DNA position 1186, G replaced by T.
Protein change: p.Glu396Ter; replaces glutamic acid 396 with a stop codon.
Molecular consequence: nonsense.
Genome position (GRCh38, 1-based): chr13:51,974,034, C>A on the plus strand (G>T on the coding strand, the complement: ATP7B is on the minus strand). VCF-style: chr13-51974034-C-A. GRCh37 (hg19) VCF-style: chr13-52548170-C-A.
Other names: c.1186G>T, p.Glu396Ter (NM_001005918.3, NM_001330578.2, NM_001330579.2); c.853G>T, p.Glu285Ter (NM_001243182.2); short protein forms E285*, E396*.
Identifiers: ClinVar variation 1072000 (VCV001072000.12), dbSNP rs763051801, ClinGen allele CA388038506.

ClinVar aggregate classification (germline): Pathogenic. Review status: criteria provided, multiple submitters, no conflicts (2 of 4 stars). 3 submissions from 3 submitters: Pathogenic (3). Last evaluated 2023-08-08.

Conditions:
Wilson disease (WND). Also called: Wilson's disease. Identifiers: Orphanet 905, MedGen C0019202, MONDO:0010200, OMIM 277900. Disease mechanism: loss of function.

Submissions (3):

Baylor Genetics
Classification: Pathogenic for Wilson disease. Last evaluated: 2023-08-08. Review status: criteria provided, single submitter. Criteria: ACMG Guidelines, 2015. Collection method: clinical testing. Allele origin: unknown.

Genome-Nilou Lab
Classification: Pathogenic for Wilson disease. Last evaluated: 2021-08-10. Review status: criteria provided, single submitter. Criteria: ACMG Guidelines, 2015. Collection method: clinical testing. Allele origin: germline. Affected: no.

Labcorp Genetics (formerly Invitae), Labcorp
Classification: Pathogenic for Wilson disease. Last evaluated: 2020-09-13. Review status: criteria provided, single submitter. Criteria: Invitae Variant Classification Sherloc (09022015). Collection method: clinical testing. Allele origin: germline.
Comment: For these reasons, this variant has been classified as Pathogenic. Loss-of-function variants in ATP7B are known to be pathogenic (PMID: 10441329, 16283883). This variant has been observed in the homozygous state in individual(s) with Wilson's disease (PMID: 18483695). This variant is not present in population databases (ExAC no frequency). This sequence change creates a premature translational stop signal (p.Glu396*) in the ATP7B gene. It is expected to result in an absent or disrupted protein product.

Literature cited by the submitters: PubMed 10441329 (cited by Labcorp Genetics (formerly Invitae), Labcorp); PubMed 16283883 (cited by Labcorp Genetics (formerly Invitae), Labcorp); PubMed 18483695 (cited by Labcorp Genetics (formerly Invitae), Labcorp).